The following is an entry in ClinVar:

ClinVar aggregate classification (germline): Conflicting classifications of pathogenicity. Review status: criteria provided, conflicting classifications (1 of 4 stars). 34 submissions from 33 submitters: Uncertain significance (1); Benign (14); Likely benign (9). 10 of the submissions do not count toward it. Last evaluated 2026-02-10.

Conditions:
BRCA2-related cancer predisposition. Identifiers: MedGen CN377758, MONDO:0700269.
Hereditary cancer-predisposing syndrome. Also called: Hereditary Cancer Syndrome; Tumor predisposition; Neoplastic Syndromes, Hereditary; Hereditary neoplastic syndrome. Identifiers: Orphanet 140162, MedGen C0027672, MeSH D009386, MONDO:0015356.
Breast and/or ovarian cancer. Identifiers: MedGen CN221562.
Breast neoplasm. Also called: Breast Neoplasms; Neoplasm of the breast; Neoplasm of breast; Breast tumor. Identifiers: MedGen C1458155, MeSH D001943, MONDO:0021100, HP:0100013. Disease mechanism: gain of function.
Hereditary breast ovarian cancer syndrome. Also called: Breast and ovarian cancer; BRCA1- and BRCA2-Associated Hereditary Breast and Ovarian Cancer; Hereditary breast and ovarian cancer; Hereditary breast and ovarian cancer syndrome (HBOC); Hereditary breast and ovarian cancer syndrome; Hereditary breast and/or ovarian cancer syndrome. Identifiers: Orphanet 145, MedGen C0677776, MeSH D061325, MONDO:0003582. Disease mechanism: loss of function.
Fanconi anemia complementation group D1. Also called: BRCA2-Related Fanconi Anemia. Identifiers: Orphanet 319462, MedGen C1838457, MONDO:0011584, OMIM 605724.
Breast-ovarian cancer, familial, susceptibility to, 2 (BROVCA2). Also called: BRCA2 Hereditary Breast and Ovarian Cancer. Identifiers: Orphanet 145, MedGen C2675520, MONDO:0012933, OMIM 612555. Disease mechanism: loss of function.

Allele frequency attached by ClinVar (database versions not stated): ESP Exome Variant Server 0.00324; gnomAD 0.00346 and 0.00318; TOPMed 0.00351; gnomAD exomes 0.00030 and 0.00073; ExAC 0.00082; 1000 Genomes Project 0.00160; 1000 Genomes Project 30x 0.00172.
gnomAD v4.1: 967 of 1,597,802 alleles (0.061%); highest among the groups gnomAD compares: African/African-American, 1.1%; 6 homozygotes.

Submissions 1 to 18 of 34:

Dasa
Classification: Benign for Breast-ovarian cancer, familial, susceptibility to, 2. Last evaluated: 2026-02-10. Review status: criteria provided, single submitter. Criteria: DASA Assertion Criteria. Collection method: clinical testing. Allele origin: germline.
Comment: NM_000059.4(BRCA2):c.6412G>T (p.Val2138Phe) is interpreted as benign based on a combination of available evidence, which may include population frequency, observations in unaffected individuals, intact protein function, lack of segregation with disease, in silico models, amino acid conservation, lack of disease association in case-control studies, and/or inconsistency with the known disease mechanism or impacted region. Based on the available data, this variant is classified as benign.

Labcorp Genetics (formerly Invitae), Labcorp
Classification: Benign for Hereditary breast ovarian cancer syndrome. Last evaluated: 2026-02-03. Review status: criteria provided, single submitter. Criteria: Invitae Variant Classification Sherloc (09022015). Collection method: clinical testing. Allele origin: germline.

Center for Genomic Medicine, Rigshospitalet, Copenhagen University Hospital
Classification: Benign. Last evaluated: 2025-12-29. Review status: criteria provided, single submitter. Criteria: ACMG Guidelines, 2015. Collection method: clinical testing. Allele origin: germline.
Comment: Classification criteria: BA1

CeGaT Center for Human Genetics Tuebingen
Classification: Likely benign. Last evaluated: 2025-10-01. Review status: criteria provided, single submitter. Criteria: CeGaT Center For Human Genetics Tuebingen Variant Classification Criteria Version 2. Collection method: clinical testing. Allele origin: germline. Affected: yes. Observed: 2 variant alleles.
Comment: BRCA2: BP4, BS1

Molecular Diagnostics Laboratory, Catalan Institute of Oncology
Classification: Benign for Hereditary cancer-predisposing syndrome. Last evaluated: 2025-08-11. Review status: criteria provided, single submitter. Criteria: ClinGen BRCA1BRCA2 ACMG Specifications BRCA2 V1.0.0. Collection method: clinical testing. Allele origin: germline.
Comment: BA1, BP1_Strong c.6412G>T, located in exon 11 of the BRCA2 gene, is predicted to result in the substitution of valine with phenylalanine at codon 2138, p.(Val2138Phe). This position is outside a (potentially) clinically important functional domain and, the SpliceAI algorithm predicts no significant impact on splicing (BP1_Strong). The variant allele was found in 248/22722 alleles, with a filter allele frequency of 0.89% at 95% confidence, within the African population in the gnomAD v2.1.1 database (non-cancer, exome only subset) (BA1). To our knowledge, neither relevant clinical data nor well-established functional studies have been reported for this variant. In addition, it was also identified in the following databases: BRCA Exchange (Not Yet Reviewed), ClinVar (13x benign, 11x likely benign, 3x uncertain significance) and LOVD (4x benign, 5x likely benign, 10x uncertain significance). Based on the currently available evidence, c.6412G>T is classified as a benign variant according to ClinGen-BRCA2 Guidelines v. 1.0.0.

ARUP Laboratories, Molecular Genetics and Genomics, ARUP Laboratories
Classification: Benign. Last evaluated: 2025-04-01. Review status: criteria provided, single submitter. Criteria: ARUP Molecular Germline Variant Investigation Process 2024. Collection method: clinical testing. Allele origin: germline.

Blueprint Genetics
Classification: Likely benign. Last evaluated: 2024-11-25. Review status: criteria provided, single submitter. Criteria: ACMG Guidelines, 2015. Collection method: clinical testing. Allele origin: germline.

All of Us Research Program, National Institutes of Health
Classification: Likely benign for BRCA2-related cancer predisposition. Last evaluated: 2024-09-24. Review status: criteria provided, single submitter. Criteria: ACMG Guidelines, 2015. Collection method: clinical testing. Allele origin: germline. Inheritance: Autosomal dominant inheritance. Observed: 249 variant alleles, 248 heterozygotes, 1 homozygote.
Comment: This study involves interpretation of variants in research participants for the purpose of population health screening. Participant phenotype was not available at the time of variant classification. Additional details can be found in publication PMID: 35346344, PMCID: PMC8962531

University of Washington Department of Laboratory Medicine, University of Washington
Classification: Likely benign for Hereditary cancer-predisposing syndrome. Last evaluated: 2023-03-23. Review status: criteria provided, single submitter. Criteria: Dines et al. (Genet Med. 2020). Collection method: curation. Allele origin: germline.
Comment: Missense variant in a coldspot region where missense variants are very unlikely to be pathogenic (PMID:31911673).

BRCA2 exon 11 coldspot. Reclassification based on statistical prior probability.

CHEO Genetics Diagnostic Laboratory, Children's Hospital of Eastern Ontario
Classification: Benign for Breast and/or ovarian cancer. Last evaluated: 2022-05-04. Review status: criteria provided, single submitter. Criteria: ACMG Guidelines, 2015. Collection method: clinical testing. Allele origin: germline.

National Health Laboratory Service, Universitas Academic Hospital and University of the Free State
Classification: Likely benign for Hereditary breast ovarian cancer syndrome. Last evaluated: 2022-04-19. Review status: criteria provided, single submitter. Criteria: ACMG Guidelines, 2015. Collection method: clinical testing. Allele origin: germline. Affected: yes. Observed: 111 variant alleles.

Genetic Services Laboratory, University of Chicago
Classification: Benign. Last evaluated: 2021-12-08. Review status: criteria provided, single submitter. Criteria: ACMG Guidelines, 2015. Collection method: clinical testing. Allele origin: germline. Affected: no.

Genetics Program, Instituto Nacional de Cancer
Classification: Benign for Hereditary breast ovarian cancer syndrome. Last evaluated: 2021-11-01. Review status: criteria provided, single submitter. Criteria: ACMG Guidelines, 2015. Collection method: research. Allele origin: germline. Affected: yes.

Sema4
Classification: Benign for Hereditary cancer-predisposing syndrome. Last evaluated: 2021-04-26. Review status: criteria provided, single submitter. Criteria: Sema4 Curation Guidelines. Collection method: curation. Allele origin: germline.

Illumina Laboratory Services, Illumina
Classification: Likely benign for Fanconi anemia complementation group D1. Last evaluated: 2018-09-27. Review status: criteria provided, single submitter. Criteria: ICSL Variant Classification Criteria 13 December 2019. Collection method: clinical testing. Allele origin: germline.
Comment: This variant was observed as part of a predisposition screen in an ostensibly healthy population. A literature search was performed for the gene, cDNA change, and amino acid change (where applicable). No publications were found based on this search. Allele frequency data from public databases allowed determination this variant is unlikely to cause disease. Therefore, this variant is classified as likely benign.

Illumina Laboratory Services, Illumina
Classification: Likely benign for Breast-ovarian cancer, familial, susceptibility to, 2. Last evaluated: 2018-09-27. Review status: criteria provided, single submitter. Criteria: ICSL Variant Classification Criteria 13 December 2019. Collection method: clinical testing. Allele origin: germline.
Comment: This variant was observed as part of a predisposition screen in an ostensibly healthy population. A literature search was performed for the gene, cDNA change, and amino acid change (where applicable). Publications were found based on this search. The evidence from the literature, in combination with allele frequency data from public databases where available, was sufficient to determine this variant is unlikely to cause disease. Therefore, this variant is classified as likely benign.

PreventionGenetics, part of Exact Sciences
Classification: Benign. Last evaluated: 2017-03-20. Review status: criteria provided, single submitter. Criteria: ACMG Guidelines, 2015. Collection method: clinical testing. Allele origin: germline.

Molecular Genetics Laboratory, University of Michigan
Classification: Benign for Breast-ovarian cancer, familial, susceptibility to, 2. Last evaluated: 2016-04-21. Review status: criteria provided, single submitter. Criteria: ACMG Guidelines, 2015. Collection method: clinical testing. Allele origin: germline. Affected: yes.

NM_000059.4(BRCA2):c.6412G>T (p.Val2138Phe)

Gene: BRCA2 (BRCA2 DNA repair associated; plus strand). Cytogenetic location: 13q13.1.
Variant type: single nucleotide variant.
Coding change: c.6412G>T on transcript NM_000059.4 (MANE Select); coding-DNA position 6412, G replaced by T.
Protein change: p.Val2138Phe; replaces valine 2138 with phenylalanine.
Molecular consequence: missense variant.
Genome position (GRCh38, 1-based): chr13:32,340,767, G>T. VCF-style: chr13-32340767-G-T. GRCh37 (hg19) VCF-style: chr13-32914904-G-T.
Other names: NP_000050.3:p.Val2138Phe; 6640G>T; short protein forms V2138F.
Identifiers: ClinVar variation 52087 (VCV000052087.94), dbSNP rs11571659, ClinGen allele CA024008.